The following is an entry in ClinVar:

NM_005026.5(PIK3CD):c.2059G>A (p.Glu687Lys)

Gene: PIK3CD (phosphatidylinositol-4,5-bisphosphate 3-kinase catalytic subunit delta; plus strand). Cytogenetic location: 1p36.22.
Variant type: single nucleotide variant.
Coding change: c.2059G>A on transcript NM_005026.5 (MANE Select); coding-DNA position 2059, G replaced by A.
Protein change: p.Glu687Lys; replaces glutamic acid 687 with lysine.
Molecular consequence: missense variant.
Genome position (GRCh38, 1-based): chr1:9,721,978, G>A. VCF-style: chr1-9721978-G-A. GRCh37 (hg19) VCF-style: chr1-9782036-G-A.
Other names: c.2056G>A, p.Glu686Lys (NM_001350234.2); c.1972G>A, p.Glu658Lys (NM_001350235.1); short protein forms E658K, E686K, E687K.
Identifiers: ClinVar variation 1976634 (VCV001976634.5), dbSNP rs2525086408, ClinGen allele CA338304932.

ClinVar aggregate classification (germline): Uncertain significance (1 of 4 stars; one submission).

Conditions:
Immunodeficiency 14 (IMD14A). Also called: Activated PI3K Delta Syndrome Type 1 (APDS1); p110-DELTA-ACTIVATING MUTATION CAUSING SENESCENT T CELLS, LYMPHADENOPATHY, AND IMMUNODEFICIENCY; IMMUNODEFICIENCY 14A WITH LYMPHOPROLIFERATION, AUTOSOMAL DOMINANT; ACTIVATED PI3K-DELTA SYNDROME 1. Identifiers: Orphanet 397596, Orphanet 693661, MedGen C5907821, MONDO:0014222, OMIM 615513.

Submission:

Labcorp Genetics (formerly Invitae), Labcorp
Classification: Uncertain significance for Activated PI3K-delta syndrome. Last evaluated: 2022-07-01. Review status: criteria provided, single submitter. Criteria: Invitae Variant Classification Sherloc (09022015). Collection method: clinical testing. Allele origin: germline.
Comment: In summary, the available evidence is currently insufficient to determine the role of this variant in disease. Therefore, it has been classified as a Variant of Uncertain Significance. Algorithms developed to predict the effect of missense changes on protein structure and function are either unavailable or do not agree on the potential impact of this missense change (SIFT: "Tolerated"; PolyPhen-2: "Probably Damaging"; Align-GVGD: "Class C0"). This variant has not been reported in the literature in individuals affected with PIK3CD-related conditions. This variant is not present in population databases (gnomAD no frequency). This sequence change replaces glutamic acid, which is acidic and polar, with lysine, which is basic and polar, at codon 687 of the PIK3CD protein (p.Glu687Lys).